The following is an entry in ClinVar:

NM_005535.3(IL12RB1):c.180C>T (p.Tyr60=)

Gene: IL12RB1 (interleukin 12 receptor subunit beta 1; minus strand). Cytogenetic location: 19p13.11.
Variant type: single nucleotide variant.
Coding change: c.180C>T on transcript NM_005535.3 (MANE Select); coding-DNA position 180, C replaced by T.
Protein change: p.Tyr60=; no amino-acid change (tyrosine 60 retained).
Molecular consequence: synonymous variant.
Genome position (GRCh38, 1-based): chr19:18,082,209, G>A on the plus strand (C>T on the coding strand, the complement: IL12RB1 is on the minus strand). VCF-style: chr19-18082209-G-A. GRCh37 (hg19) VCF-style: chr19-18193019-G-A.
Other names: c.180C>T, p.Tyr60= (NM_001290023.2, NM_153701.3); c.300C>T, p.Tyr100= (NM_001290024.2).
Identifiers: ClinVar variation 328603 (VCV000328603.46), dbSNP rs146102898, ClinGen allele CA9305311.

ClinVar aggregate classification (germline): Benign/Likely benign. Review status: criteria provided, multiple submitters, no conflicts (2 of 4 stars). 4 submissions from 4 submitters: Benign (1); Likely benign (3). Last evaluated 2026-01-13.

Conditions:
Mendelian susceptibility to mycobacterial diseases due to complete IL12RB1 deficiency. Also called: IL12RB1 DEFICIENCY; Immunodeficiency 30. Identifiers: Orphanet 319552, MedGen C4013949, MONDO:0013955, OMIM 614891.

Allele frequency attached by ClinVar (database versions not stated): gnomAD exomes 0.00021 and 0.00055; ExAC 0.00067; ESP Exome Variant Server 0.00223; gnomAD 0.00227 and 0.00243; TOPMed 0.00237; 1000 Genomes Project 0.00280; 1000 Genomes Project 30x 0.00344.
gnomAD v4.1: 691 of 1,613,920 alleles (0.043%); highest among the groups gnomAD compares: African/African-American, 0.73%; 2 homozygotes.

Submissions (4):

Labcorp Genetics (formerly Invitae), Labcorp
Classification: Benign for Mendelian susceptibility to mycobacterial diseases due to complete IL12RB1 deficiency. Last evaluated: 2026-01-13. Review status: criteria provided, single submitter. Criteria: Invitae Variant Classification Sherloc (09022015). Collection method: clinical testing. Allele origin: germline.

Blueprint Genetics
Classification: Likely benign. Last evaluated: 2024-11-26. Review status: criteria provided, single submitter. Criteria: ACMG Guidelines, 2015. Collection method: clinical testing. Allele origin: germline.

CeGaT Center for Human Genetics Tuebingen
Classification: Likely benign. Last evaluated: 2022-07-01. Review status: criteria provided, single submitter. Criteria: CeGaT Center For Human Genetics Tuebingen Variant Classification Criteria Version 2. Collection method: clinical testing. Allele origin: germline. Affected: yes. Observed: 1 variant allele.
Comment: IL12RB1: BP4, BP7

Illumina Laboratory Services, Illumina
Classification: Likely benign for Mendelian susceptibility to mycobacterial diseases due to complete IL12RB1 deficiency. Last evaluated: 2018-01-12. Review status: criteria provided, single submitter. Criteria: ICSL Variant Classification Criteria 13 December 2019. Collection method: clinical testing. Allele origin: germline.
Comment: This variant was observed in the ICSL laboratory as part of a predisposition screen in an ostensibly healthy population. It had not been previously curated by ICSL or reported in the Human Gene Mutation Database (HGMD: prior to June 1st, 2018), and was therefore a candidate for classification through an automated scoring system. Utilizing variant allele frequency, disease prevalence and penetrance estimates, and inheritance mode, an automated score was calculated to assess if this variant is too frequent to cause the disease. Based on the score and internal cut-off values, a variant classified as likely benign is not then subjected to further curation. The score for this variant resulted in a classification of likely benign for this disease.